The following is an entry in ClinVar:

ClinVar aggregate classification (germline): Uncertain significance (1 of 4 stars; one submission).

Conditions:
Charcot-Marie-Tooth disease type 2. Also called: Charcot-Marie-Tooth type 2. Identifiers: Orphanet 64746, MedGen C0270914, MONDO:0018993.

Allele frequency attached by ClinVar (database versions not stated): gnomAD exomes below 0.00001; gnomAD 0.00001.
gnomAD v4.1: 2 of 1,614,038 alleles (0.00012%); highest among the groups gnomAD compares: Non-Finnish European, 0.00017%; no homozygotes.

Submission:

Labcorp Genetics (formerly Invitae), Labcorp
Classification: Uncertain significance for Charcot-Marie-Tooth disease type 2. Last evaluated: 2019-06-29. Review status: criteria provided, single submitter. Criteria: Invitae Variant Classification Sherloc (09022015). Collection method: clinical testing. Allele origin: germline.
Comment: This variant is not present in population databases (ExAC no frequency). In summary, the available evidence is currently insufficient to determine the role of this variant in disease. Therefore, it has been classified as a Variant of Uncertain Significance. Algorithms developed to predict the effect of missense changes on protein structure and function are either unavailable or do not agree on the potential impact of this missense change (SIFT: "Deleterious"; PolyPhen-2: "Benign"; Align-GVGD: "Class C0"). This variant has not been reported in the literature in individuals with BSCL2-related conditions. This sequence change replaces valine with phenylalanine at codon 108 of the BSCL2 protein (p.Val108Phe). The valine residue is highly conserved and there is a small physicochemical difference between valine and phenylalanine.

NM_001122955.4(BSCL2):c.514G>T (p.Val172Phe)

Genes: HNRNPUL2-BSCL2 (HNRNPUL2-BSCL2 readthrough (NMD candidate); minus strand), BSCL2 (BSCL2 lipid droplet biogenesis associated, seipin; minus strand). Cytogenetic location: 11q12.3.
Variant type: single nucleotide variant.
Coding change: c.514G>T on transcript NM_001122955.4 (MANE Select); coding-DNA position 514, G replaced by T.
Protein change: p.Val172Phe; replaces valine 172 with phenylalanine.
Molecular consequence: missense variant. On other transcripts: non-coding transcript variant (1).
Genome position (GRCh38, 1-based): chr11:62,694,684, C>A on the plus strand (G>T on the coding strand, the complement: BSCL2 is on the minus strand). VCF-style: chr11-62694684-C-A. GRCh37 (hg19) VCF-style: chr11-62462156-C-A.
Other names: c.322G>T, p.Val108Phe (NM_001130702.2, NM_032667.6); c.514G>T, p.Val172Phe (NM_001386027.1, NM_001386028.1); short protein forms V108F, V172F.
Identifiers: ClinVar variation 947376 (VCV000947376.9), dbSNP rs1945403974, ClinGen allele CA380966151.
Genomic context (GRCh38, chr11:62,694,684, plus strand): 5'-CCAAGAACATGCCCAAATCTTGATTCACAGGGGACTCTGGCAGCTCAAGCTCTAAGGTAA[C>A]ACGATACGGCTGTCCATACATCAGCACCTGCCAAAGGTAGCCCCCATTTCTTTAAAAAAA-3'
Protein context (NP_001116427.1, residues 162-182): RVLMYGQPYR[Val172Phe]TLELELPESP